The following is an entry in ClinVar:

ClinVar aggregate classification (germline): Likely pathogenic (0 of 4 stars; one submission).

Conditions:
NAA15-related disorder.

Submission:

PreventionGenetics, part of Exact Sciences
Classification: Likely pathogenic for NAA15-related condition. Last evaluated: 2024-09-27. Review status: no assertion criteria provided. Collection method: clinical testing. Allele origin: germline.
Comment: The NAA15 c.2302+1G>A variant is predicted to disrupt the GT donor site and interfere with normal splicing. To our knowledge, this variant has not been reported in the literature or in a large population database, indicating this variant is rare. Variants that disrupt the consensus splice donor site in NAA15 are expected to be pathogenic. This variant is interpreted as likely pathogenic.

NM_057175.5(NAA15):c.2302+1G>A

Gene: NAA15 (N-alpha-acetyltransferase 15, NatA auxiliary subunit; plus strand). Cytogenetic location: 4q31.1.
Variant type: single nucleotide variant.
Coding change: c.2302+1G>A on transcript NM_057175.5 (MANE Select); the canonical splice donor site of the intron after coding-DNA position 2302, G replaced by A.
Molecular consequence: splice donor variant.
Genome position (GRCh38, 1-based): chr4:139,384,979, G>A. VCF-style: chr4-139384979-G-A. GRCh37 (hg19) VCF-style: chr4-140306133-G-A.
Other names: c.2299+1G>A (NM_001410842.1).
Identifiers: ClinVar variation 3345444 (VCV003345444.1).